The following is an entry in ClinVar:

ClinVar aggregate classification (germline): Uncertain significance (1 of 4 stars; one submission).

Submission:

Labcorp Genetics (formerly Invitae), Labcorp
Classification: Uncertain significance. Last evaluated: 2024-10-05. Review status: criteria provided, single submitter. Criteria: Invitae Variant Classification Sherloc (09022015). Collection method: clinical testing. Allele origin: germline.
Comment: This sequence change replaces aspartic acid, which is acidic and polar, with asparagine, which is neutral and polar, at codon 148 of the TNFRSF11A protein (p.Asp148Asn). This variant is not present in population databases (gnomAD no frequency). This variant has not been reported in the literature in individuals affected with TNFRSF11A-related conditions. Invitae Evidence Modeling of protein sequence and biophysical properties (such as structural, functional, and spatial information, amino acid conservation, physicochemical variation, residue mobility, and thermodynamic stability) indicates that this missense variant is not expected to disrupt TNFRSF11A protein function with a negative predictive value of 80%. In summary, the available evidence is currently insufficient to determine the role of this variant in disease. Therefore, it has been classified as a Variant of Uncertain Significance.

NM_003839.4(TNFRSF11A):c.442G>A (p.Asp148Asn)

Gene: TNFRSF11A (TNF receptor superfamily member 11a; plus strand). Cytogenetic location: 18q21.33.
Variant type: single nucleotide variant.
Coding change: c.442G>A on transcript NM_003839.4 (MANE Select); coding-DNA position 442, G replaced by A.
Protein change: p.Asp148Asn; replaces aspartic acid 148 with asparagine.
Molecular consequence: missense variant. On other transcripts: intron variant (1).
Genome position (GRCh38, 1-based): chr18:62,358,262, G>A. VCF-style: chr18-62358262-G-A. GRCh37 (hg19) VCF-style: chr18-60025495-G-A.
Other names: c.442G>A, p.Asp148Asn (NM_001270949.2, NM_001270950.2, NM_001270951.2); c.428-28G>A (NM_001278268.2); short protein forms D148N.
Identifiers: ClinVar variation 3655451 (VCV003655451.2).